The following is an entry in ClinVar:

NM_001291303.3(FAT4):c.7805C>T (p.Ser2602Leu)

Gene: FAT4 (FAT atypical cadherin 4; plus strand). Cytogenetic location: 4q28.1.
Variant type: single nucleotide variant.
Coding change: c.7805C>T on transcript NM_001291303.3 (MANE Select); coding-DNA position 7805, C replaced by T.
Protein change: p.Ser2602Leu; replaces serine 2602 with leucine.
Molecular consequence: missense variant.
Genome position (GRCh38, 1-based): chr4:125,448,815, C>T. VCF-style: chr4-125448815-C-T. GRCh37 (hg19) VCF-style: chr4-126369970-C-T.
Other names: c.7799C>T (NM_024582.4); c.7805C>T, p.Ser2602Leu (NM_001291285.3); c.7799C>T, p.Ser2600Leu (NM_024582.6); short protein forms S2600L, S2602L.
Identifiers: ClinVar variation 2419285 (VCV002419285.4), dbSNP rs757086844, ClinGen allele CA3073259.

ClinVar aggregate classification (germline): Uncertain significance. Review status: criteria provided, multiple submitters, no conflicts (2 of 4 stars). 2 submissions from 2 submitters: Uncertain significance (2). Last evaluated 2025-12-16.

Conditions:
Inborn genetic diseases. Identifiers: MedGen C0950123, MeSH D030342.

Allele frequency attached by ClinVar (database versions not stated): ExAC 0.00003; TOPMed 0.00004; gnomAD 0.00005.
gnomAD v4.1: 59 of 1,609,024 alleles (0.0037%); highest among the groups gnomAD compares: Middle Eastern, 0.049%; no homozygotes.

Submissions (2):

Ambry Genetics
Classification: Uncertain significance for Inborn genetic diseases. Last evaluated: 2025-12-16. Review status: criteria provided, single submitter. Criteria: Ambry Variant Classification Scheme 2023. Collection method: clinical testing. Allele origin: germline.

Labcorp Genetics (formerly Invitae), Labcorp
Classification: Uncertain significance. Last evaluated: 2022-06-20. Review status: criteria provided, single submitter. Criteria: Invitae Variant Classification Sherloc (09022015). Collection method: clinical testing. Allele origin: germline.
Comment: This sequence change replaces serine, which is neutral and polar, with leucine, which is neutral and non-polar, at codon 2600 of the FAT4 protein (p.Ser2600Leu). This variant is present in population databases (rs757086844, gnomAD 0.007%). This variant has not been reported in the literature in individuals affected with FAT4-related conditions. Advanced modeling of protein sequence and biophysical properties (such as structural, functional, and spatial information, amino acid conservation, physicochemical variation, residue mobility, and thermodynamic stability) performed at Invitae indicates that this missense variant is not expected to disrupt FAT4 protein function. In summary, the available evidence is currently insufficient to determine the role of this variant in disease. Therefore, it has been classified as a Variant of Uncertain Significance.